The following is an entry in ClinVar:

ClinVar aggregate classification (germline): Likely benign. Review status: criteria provided, single submitter (1 of 4 stars). 2 submissions from 2 submitters: Likely benign (1). 1 of the submissions does not count toward it. Last evaluated 2025-01-22.

Conditions:
WARS2-related disorder. Also called: WARS2 related condition; WARS2-related disorders.

Allele frequency attached by ClinVar (database versions not stated): ExAC 0.00002; gnomAD 0.00003.
gnomAD v4.1: 51 of 1,613,710 alleles (0.0032%); highest among the groups gnomAD compares: South Asian, 0.027%; no homozygotes.

Submissions (2):

Labcorp Genetics (formerly Invitae), Labcorp
Classification: Likely benign. Last evaluated: 2025-01-22. Review status: criteria provided, single submitter. Criteria: Invitae Variant Classification Sherloc (09022015). Collection method: clinical testing. Allele origin: germline.

PreventionGenetics, part of Exact Sciences
Classification: Likely benign for WARS2-related condition. Last evaluated: 2022-12-28. Review status: no assertion criteria provided. Collection method: clinical testing. Allele origin: germline. Not counted in ClinVar's aggregate classification.
Comment: This variant is classified as likely benign based on ACMG/AMP sequence variant interpretation guidelines (Richards et al. 2015 PMID: 25741868, with internal and published modifications).

NM_015836.4(WARS2):c.318G>A (p.Pro106=)

Gene: WARS2 (tryptophanyl tRNA synthetase 2, mitochondrial; minus strand). Cytogenetic location: 1p12.
Variant type: single nucleotide variant.
Coding change: c.318G>A on transcript NM_015836.4 (MANE Select); coding-DNA position 318, G replaced by A.
Protein change: p.Pro106=; no amino-acid change (proline 106 retained).
Molecular consequence: synonymous variant. On other transcripts: intron variant (2).
Genome position (GRCh38, 1-based): chr1:119,076,380, C>T on the plus strand (G>A on the coding strand, the complement: WARS2 is on the minus strand). VCF-style: chr1-119076380-C-T. GRCh37 (hg19) VCF-style: chr1-119619003-C-T.
Other names: c.249G>A, p.Pro83= (NM_001378226.1, NM_001378227.1); c.36G>A, p.Pro12= (NM_001378230.1); c.318G>A, p.Pro106= (NM_001378231.1, NM_201263.2); c.91-30718G>A (NM_001378229.1); c.177+141G>A (NM_001378228.1); c.318G>A (NM_015836.3).
Identifiers: ClinVar variation 1902972 (VCV001902972.7), dbSNP rs758130195, ClinGen allele CA1035363.